The following is an entry in ClinVar:

NM_000181.4(GUSB):c.396+5G>T

Gene: GUSB (glucuronidase beta; minus strand). Cytogenetic location: 7q11.21.
Variant type: single nucleotide variant.
Coding change: c.396+5G>T on transcript NM_000181.4 (MANE Select); 5 bases into the intron after coding-DNA position 396, G replaced by T.
Molecular consequence: intron variant.
Genome position (GRCh38, 1-based): chr7:65,980,219, C>A on the plus strand (G>T on the coding strand, the complement: GUSB is on the minus strand). VCF-style: chr7-65980219-C-A. GRCh37 (hg19) VCF-style: chr7-65445206-C-A.
Other names: c.67+5G>T (NM_001293105.2); c.11+5G>T (NM_001293104.2); c.396+5G>T (NM_001284290.2).
Identifiers: ClinVar variation 3617410 (VCV003617410.2).

ClinVar aggregate classification (germline): Uncertain significance (1 of 4 stars; one submission).

Conditions:
Mucopolysaccharidosis type 7 (MPS7). Also called: BETA-GLUCURONIDASE DEFICIENCY; GUSB DEFICIENCY; SLY SYNDROME; MPS VII. Identifiers: Orphanet 584, MedGen C0085132, MONDO:0009662, OMIM 253220.

gnomAD v4.1: 2 of 1,591,818 alleles (0.00013%); highest among the groups gnomAD compares: Non-Finnish European, 0.00017%; no homozygotes.

Submission:

Labcorp Genetics (formerly Invitae), Labcorp
Classification: Uncertain significance for Mucopolysaccharidosis type 7. Last evaluated: 2024-05-20. Review status: criteria provided, single submitter. Criteria: Invitae Variant Classification Sherloc (09022015). Collection method: clinical testing. Allele origin: germline.
Comment: This sequence change falls in intron 2 of the GUSB gene. It does not directly change the encoded amino acid sequence of the GUSB protein. It affects a nucleotide within the consensus splice site. This variant is not present in population databases (gnomAD no frequency). This variant has not been reported in the literature in individuals affected with GUSB-related conditions. Variants that disrupt the consensus splice site are a relatively common cause of aberrant splicing (PMID: 17576681, 9536098). Algorithms developed to predict the effect of sequence changes on RNA splicing suggest that this variant may disrupt the consensus splice site. In summary, the available evidence is currently insufficient to determine the role of this variant in disease. Therefore, it has been classified as a Variant of Uncertain Significance.

Literature cited by the submitters: PubMed 17576681; PubMed 9536098.